The following is an entry in ClinVar:

ClinVar aggregate classification (germline): Conflicting classifications of pathogenicity. Review status: criteria provided, conflicting classifications (1 of 4 stars). 2 submissions from 2 submitters: Likely pathogenic (1); Uncertain significance (1). Last evaluated 2023-11-17.

Conditions:
Spondyloepiphyseal dysplasia. Also called: Spondylo-epi-(meta)-physeal dysplasia. Identifiers: Orphanet 253, MedGen C0038015, MONDO:0016761, HP:0002655.
Short palm. Identifiers: MedGen C1843108, HP:0004279.
Short distal phalanx of finger. Identifiers: MedGen C1839829, HP:0009882.
Platyspondyly. Identifiers: MedGen C1844704, HP:0000926.
Short stature. Identifiers: MedGen C0349588, HP:0004322.

Submissions (2):

Labcorp Genetics (formerly Invitae), Labcorp
Classification: Likely pathogenic. Last evaluated: 2023-11-17. Review status: criteria provided, single submitter. Criteria: Invitae Variant Classification Sherloc (09022015). Collection method: clinical testing. Allele origin: germline.
Comment: This sequence change replaces cysteine, which is neutral and slightly polar, with phenylalanine, which is neutral and non-polar, at codon 19 of the MGP protein (p.Cys19Phe). This variant is not present in population databases (gnomAD no frequency). This missense change has been observed in individual(s) with autosomal dominant MGP-related spondyloepiphyseal dysplasia (PMID: 37923733). It has also been observed to segregate with disease in related individuals. ClinVar contains an entry for this variant (Variation ID: 1373923). An algorithm developed to predict the effect of missense changes on protein structure and function (PolyPhen-2) suggests that this variant is likely to be disruptive. Experimental studies have shown that this missense change affects MGP function (PMID: 37923733). This variant disrupts the p.Cys19 amino acid residue in MGP. Other variant(s) that disrupt this residue have been determined to be pathogenic (PMID: 37923733). This suggests that this residue is clinically significant, and that variants that disrupt this residue are likely to be disease-causing. In summary, the currently available evidence indicates that the variant is pathogenic, but additional data are needed to prove that conclusively. Therefore, this variant has been classified as Likely Pathogenic.

Care4Rare-SOLVE, CHEO
Classification: Uncertain significance for Spondyloepiphyseal dysplasia; Short stature; Platyspondyly; Short distal phalanx of finger; Short palm. Last evaluated: 2023-08-09. Review status: criteria provided, single submitter. Criteria: ACMG Guidelines, 2015. Collection method: research. Allele origin: unknown. Affected: yes. Observed: 3 variant alleles, 3 heterozygotes.
Comment: This heterozygous variant was identified in three family members with spondyloepiphyseal dysplasia. Functional work on this variant showed a deleterious effect and a knock in mouse model recapitulated the human phenotype. Publication link will be added upon publication.

Literature cited by the submitters: PubMed 37923733 (cited by Labcorp Genetics (formerly Invitae), Labcorp and Care4Rare-SOLVE, CHEO).

NM_000900.5(MGP):c.56G>T (p.Cys19Phe)

Gene: MGP (matrix Gla protein; minus strand). Cytogenetic location: 12p12.3.
Variant type: single nucleotide variant.
Coding change: c.56G>T on transcript NM_000900.5 (MANE Select); coding-DNA position 56, G replaced by T.
Protein change: p.Cys19Phe; replaces cysteine 19 with phenylalanine.
Molecular consequence: missense variant.
Genome position (GRCh38, 1-based): chr12:14,885,736, C>A on the plus strand (G>T on the coding strand, the complement: MGP is on the minus strand). VCF-style: chr12-14885736-C-A. GRCh37 (hg19) VCF-style: chr12-15038670-C-A.
Other names: c.56G>T:p.Cys19Phe; c.56G>T (NM_000900.3); c.56G>T, p.Cys19Phe (NM_001190839.3); short protein forms C19F.
Identifiers: ClinVar variation 1373923 (VCV001373923.17), dbSNP rs1555094473, ClinGen allele CA384021231.
Genomic context (GRCh38, chr12:14,885,736, plus strand): 5'-GCCAAAGTCAGAGGCAGAAAAGTAAACACAGAGAAATGGGAGAAAAGTTTCTCACCATAA[C>A]ACAAAGTTACTACCGCTAAGGCGGCCAGGATGGCAAGAAGGATCAGGCTCTTCATGGTTT-3'
Protein context (NP_000891.2, residues 9-29): ILAALAVVTL[Cys19Phe]YESHESMESY